The following is an entry in ClinVar:

NM_001166108.2(PALLD):c.1601C>T (p.Ala534Val)

Gene: PALLD (palladin, cytoskeletal associated protein; plus strand). Cytogenetic location: 4q32.3.
Variant type: single nucleotide variant.
Coding change: c.1601C>T on transcript NM_001166108.2 (MANE Select); coding-DNA position 1601, C replaced by T.
Protein change: p.Ala534Val; replaces alanine 534 with valine.
Molecular consequence: missense variant.
Genome position (GRCh38, 1-based): chr4:168,709,127, C>T. VCF-style: chr4-168709127-C-T. GRCh37 (hg19) VCF-style: chr4-169630278-C-T.
Other names: c.455C>T, p.Ala152Val (NM_001166109.2); c.1601C>T, p.Ala534Val (NM_016081.4); short protein forms A152V, A534V.
Identifiers: ClinVar variation 1776187 (VCV001776187.3), dbSNP rs2531819239, ClinGen allele CA358797637.
Genomic context (GRCh38, chr4:168,709,127, plus strand): 5'-AAGATGCAGGGATCTTTACATGTTCAGCAAGAAATGATTATGGATCAGCAACCAGCACTG[C>T]CCAGCTGGTTGTCACCTCAGGTATGTGAGGAGTAAAAAAAATGACTGGGTTCTGTTCCCC-3'
Protein context (NP_001159580.1, residues 524-544): RNDYGSATST[Ala534Val]QLVVTSANTE

ClinVar aggregate classification (germline): Uncertain significance (1 of 4 stars; one submission).

Submission:

Ambry Genetics
Classification: Uncertain significance. Last evaluated: 2024-10-11. Review status: criteria provided, single submitter. Criteria: Ambry Variant Classification Scheme 2023. Collection method: clinical testing. Allele origin: germline.
Comment: The p.A534V variant (also known as c.1601C>T), located in coding exon 8 of the PALLD gene, results from a C to T substitution at nucleotide position 1601. The alanine at codon 534 is replaced by valine, an amino acid with similar properties. This amino acid position is conserved. In addition, the in silico prediction for this alteration is inconclusive. Since supporting evidence is limited at this time, the clinical significance of this alteration remains unclear.